The following is an entry in ClinVar:

ClinVar aggregate classification (germline): Uncertain significance. Review status: criteria provided, multiple submitters, no conflicts (2 of 4 stars). 2 submissions from 2 submitters: Uncertain significance (2). Last evaluated 2024-06-18.

Conditions:
ANKRD1-related dilated cardiomyopathy. Identifiers: MedGen CN119551.
Primary dilated cardiomyopathy (DCM). Also called: Dilated Cardiomyopathy. Identifiers: Orphanet 217604, MedGen C0007193, MeSH D002311, MONDO:0005021, HP:0001644. Inheritance: Various modes of inheritance.

Allele frequency attached by ClinVar (database versions not stated): gnomAD exomes below 0.00001.
gnomAD v4.1: 2 of 1,611,308 alleles (0.00012%); highest among the groups gnomAD compares: Non-Finnish European, 0.000085%; no homozygotes.

Submissions (2):

Labcorp Genetics (formerly Invitae), Labcorp
Classification: Uncertain significance for ANKRD1-related dilated cardiomyopathy. Last evaluated: 2024-06-18. Review status: criteria provided, single submitter. Criteria: Invitae Variant Classification Sherloc (09022015). Collection method: clinical testing. Allele origin: germline.
Comment: This sequence change replaces proline, which is neutral and non-polar, with leucine, which is neutral and non-polar, at codon 146 of the ANKRD1 protein (p.Pro146Leu). This variant is not present in population databases (gnomAD no frequency). This variant has not been reported in the literature in individuals affected with ANKRD1-related conditions. ClinVar contains an entry for this variant (Variation ID: 694559). Advanced modeling of protein sequence and biophysical properties (such as structural, functional, and spatial information, amino acid conservation, physicochemical variation, residue mobility, and thermodynamic stability) performed at Invitae indicates that this missense variant is not expected to disrupt ANKRD1 protein function with a negative predictive value of 80%. In summary, the available evidence is currently insufficient to determine the role of this variant in disease. Therefore, it has been classified as a Variant of Uncertain Significance.

Genetics and Genomics Program, Sidra Medicine
Classification: Uncertain significance for Primary dilated cardiomyopathy. Review status: criteria provided, single submitter. Criteria: ACMG Guidelines, 2015. Collection method: research. Allele origin: unknown. Affected: yes. Observed: 1 variant allele.

NM_014391.3(ANKRD1):c.437C>T (p.Pro146Leu)

Gene: ANKRD1 (ankyrin repeat domain 1; minus strand). Cytogenetic location: 10q23.31.
Variant type: single nucleotide variant.
Coding change: c.437C>T on transcript NM_014391.3 (MANE Select); coding-DNA position 437, C replaced by T.
Protein change: p.Pro146Leu; replaces proline 146 with leucine.
Molecular consequence: missense variant.
Genome position (GRCh38, 1-based): chr10:90,918,881, G>A on the plus strand (C>T on the coding strand, the complement: ANKRD1 is on the minus strand). VCF-style: chr10-90918881-G-A. GRCh37 (hg19) VCF-style: chr10-92678638-G-A.
Other names: short protein forms P146L.
Identifiers: ClinVar variation 694559 (VCV000694559.5), dbSNP rs1181799982, ClinGen allele CA377552074.
Genomic context (GRCh38, chr10:90,918,881, plus strand): 5'-AAAATTAATGAGCTGGATTTTGCAGTGCTTTGCATGAGTCTTACCTCATCACAAACATCT[G>A]GATTGTTCTTGTCTGACAAGAATTTTTCTACTACTGGCAGTTTATTCTCCAGAGCAGCCT-3'
Protein context (NP_055206.2, residues 136-156): VEKFLSDKNN[Pro146Leu]DVCDEYKRTA